The following is an entry in ClinVar:

ClinVar aggregate classification (germline): Pathogenic/Likely pathogenic. Review status: criteria provided, multiple submitters, no conflicts (2 of 4 stars). 7 submissions from 7 submitters: Pathogenic (4); Likely pathogenic (2). 1 of the submissions does not count toward it. Last evaluated 2025-11-21.

Conditions:
PGAP3-related disorder. Also called: PGAP3-related condition.
Hyperphosphatasia with impaired intellectual development syndrome 4. Also called: GLYCOSYLPHOSPHATIDYLINOSITOL BIOSYNTHESIS DEFECT 10; Hyperphosphatasia with intellectual disability syndrome 4. Identifiers: Orphanet 247262, MedGen C3810354, MONDO:0014318, OMIM 615716.

Allele frequency attached by ClinVar (database versions not stated): gnomAD exomes 0.00014 and 0.00045; ESP Exome Variant Server 0.00015; TOPMed 0.00015; gnomAD 0.00016 and 0.00017; ExAC 0.00017; 1000 Genomes Project 0.00020; 1000 Genomes Project 30x 0.00031.
gnomAD v4.1: 661 of 1,612,668 alleles (0.041%); highest among the groups gnomAD compares: Non-Finnish European, 0.055%; no homozygotes.

Submissions (7):

PreventionGenetics, part of Exact Sciences
Classification: Pathogenic for PGAP3-related condition. Last evaluated: 2025-11-21. Review status: criteria provided, single submitter. Criteria: ACMG Guidelines, 2015. Collection method: clinical testing. Allele origin: germline.
Comment: The PGAP3 c.320C>T variant is predicted to result in the amino acid substitution p.Ser107Leu. This variant has been reported in the homozygous state or with a second PGAP3 variant in individuals with hyperphosphatasia with impaired intellectual development syndrome and it segregated with disease in multiple families (see, for example: Knaus et al. 2016. PubMed ID: 27120253; Pagnamenta et al. 2017. PubMed ID: 28327575; Balobaid et al. 2018. PubMed ID: 30345601). In vitro over-expression studies were consistent with the p.Ser107Leu variant being deleterious (Supplemental Figure 7, Knaus et al. 2016. PubMed ID: 27120253). This variant is reported in 0.028% of alleles in individuals of European (non-Finnish) descent in gnomAD. This variant is interpreted as pathogenic.

Women's Health and Genetics/Laboratory Corporation of America, LabCorp
Classification: Pathogenic for Hyperphosphatasia with impaired intellectual development syndrome 4. Last evaluated: 2025-03-18. Review status: criteria provided, single submitter. Criteria: LabCorp Variant Classification Summary - May 2015. Collection method: clinical testing. Allele origin: germline.
Comment: Variant summary: PGAP3 c.320C>T (p.Ser107Leu) results in a non-conservative amino acid change in the encoded protein sequence. Five of five in-silico tools predict a damaging effect of the variant on protein function. The variant allele was found at a frequency of 0.00014 in 246962 control chromosomes. This frequency is not significantly higher than estimated for a pathogenic variant in PGAP3 causing Hyperphosphatasia With Intellectual Disability Syndrome 4, allowing no conclusion about variant significance. c.320C>T has been reported in the presumed compound heterozygous and homozygous states in the literature in multiple individuals affected with clinical features of Hyperphosphatasia With Intellectual Disability Syndrome 4 (example, Balobaid_2018, Lam_2024). These data indicate that the variant is very likely to be associated with disease. To our knowledge, no experimental evidence demonstrating an impact on protein function has been reported. The following publications have been ascertained in the context of this evaluation (PMID: 30345601, 38959600). ClinVar contains an entry for this variant (Variation ID: 224643). Based on the evidence outlined above, the variant was classified as pathogenic.

Labcorp Genetics (formerly Invitae), Labcorp
Classification: Pathogenic. Last evaluated: 2024-10-16. Review status: criteria provided, single submitter. Criteria: Invitae Variant Classification Sherloc (09022015). Collection method: clinical testing. Allele origin: germline.
Comment: This sequence change replaces serine, which is neutral and polar, with leucine, which is neutral and non-polar, at codon 107 of the PGAP3 protein (p.Ser107Leu). This variant is present in population databases (rs202146344, gnomAD 0.03%). This missense change has been observed in individual(s) with PGAP3-congenital disorder of glycosylation (PMID: 27120253, 28327575, 30345601). In at least one individual the data is consistent with being in trans (on the opposite chromosome) from a pathogenic variant. It has also been observed to segregate with disease in related individuals. ClinVar contains an entry for this variant (Variation ID: 224643). Invitae Evidence Modeling of protein sequence and biophysical properties (such as structural, functional, and spatial information, amino acid conservation, physicochemical variation, residue mobility, and thermodynamic stability) indicates that this missense variant is expected to disrupt PGAP3 protein function with a positive predictive value of 95%. For these reasons, this variant has been classified as Pathogenic.

Genomic Medicine Center of Excellence, King Faisal Specialist Hospital and Research Centre
Classification: Likely pathogenic for Hyperphosphatasia with impaired intellectual development syndrome 4. Last evaluated: 2024-10-07. Review status: criteria provided, single submitter. Criteria: ACMG Guidelines, 2015. Collection method: clinical testing. Allele origin: germline.

GeneDx
Classification: Pathogenic. Last evaluated: 2024-09-20. Review status: criteria provided, single submitter. Criteria: GeneDx Variant Classification Process June 2021. Collection method: clinical testing. Allele origin: germline. Affected: yes.
Comment: In silico analysis supports that this missense variant has a deleterious effect on protein structure/function; This variant is associated with the following publications: (PMID: 27120253, 28327575, 29531774, 29310717, 30345601, 37010288)

Revvity Omics, Revvity
Classification: Likely pathogenic for Hyperphosphatasia with impaired intellectual development syndrome 4. Last evaluated: 2022-04-07. Review status: criteria provided, single submitter. Criteria: ACMG Guidelines, 2015. Collection method: clinical testing. Allele origin: germline.

Institute for Medical Genetics and Human Genetics, Charité - Universitätsmedizin Berlin
Classification: Pathogenic for Hyperphosphatasia with impaired intellectual development syndrome 4. Last evaluated: 2016-03-01. Review status: no assertion criteria provided. Collection method: research. Allele origin: germline. Affected: yes. Not counted in ClinVar's aggregate classification.
Comment: Disease causing variant in homozygous or compound heterozygous state

Literature cited by the submitters: PubMed 38959600 (cited by Women's Health and Genetics/Laboratory Corporation of America, LabCorp); PubMed 30345601 (cited by Women's Health and Genetics/Laboratory Corporation of America, LabCorp and Labcorp Genetics (formerly Invitae), Labcorp); PubMed 27120253 (cited by Labcorp Genetics (formerly Invitae), Labcorp); PubMed 28327575 (cited by Labcorp Genetics (formerly Invitae), Labcorp).

NM_033419.5(PGAP3):c.320C>T (p.Ser107Leu)

Gene: PGAP3 (post-GPI attachment to proteins phospholipase 3; minus strand). Cytogenetic location: 17q12.
Variant type: single nucleotide variant.
Coding change: c.320C>T on transcript NM_033419.5 (MANE Select); coding-DNA position 320, C replaced by T.
Protein change: p.Ser107Leu; replaces serine 107 with leucine.
Molecular consequence: missense variant. On other transcripts: intron variant (1).
Genome position (GRCh38, 1-based): chr17:39,684,709, G>A on the plus strand (C>T on the coding strand, the complement: PGAP3 is on the minus strand). VCF-style: chr17-39684709-G-A. GRCh37 (hg19) VCF-style: chr17-37840962-G-A.
Other names: c.320C>T, p.Ser107Leu (NM_001291728.2, NM_001291730.2, NM_001291732.2 and 1 more transcripts); c.279+1213C>T (NM_001291726.2); short protein forms S107L.
Identifiers: ClinVar variation 224643 (VCV000224643.22), dbSNP rs202146344, ClinGen allele CA351381.